The following is an entry in ClinVar:

ClinVar aggregate classification (germline): Uncertain significance (1 of 4 stars; one submission).

Conditions:
SDCCAG8-related disorder. Also called: SDCCAG8-related condition; SDCCAG8-Related Disorders.

Submission:

PreventionGenetics, part of Exact Sciences
Classification: Uncertain significance for SDCCAG8-related condition. Last evaluated: 2026-03-11. Review status: criteria provided, single submitter. Criteria: ACMG Guidelines, 2015. Collection method: clinical testing. Allele origin: germline.
Comment: The SDCCAG8 c.743A>G variant is predicted to result in the amino acid substitution p.Gln248Arg. To our knowledge, this variant has not been reported in the literature or in a large population database (gnomAD), indicating this variant is rare. At this time, the clinical significance of this variant is uncertain due to the absence of conclusive functional and genetic evidence.

NM_006642.5(SDCCAG8):c.675+247A>G

Gene: SDCCAG8 (SHH signaling and ciliogenesis regulator SDCCAG8; plus strand). Cytogenetic location: 1q43.
Variant type: single nucleotide variant.
Coding change: c.675+247A>G on transcript NM_006642.5 (MANE Select); 247 bases into the intron after coding-DNA position 675, A replaced by G.
Molecular consequence: intron variant. On other transcripts: missense variant (1), 5 prime UTR variant (1).
Genome position (GRCh38, 1-based): chr1:243,293,466, A>G. VCF-style: chr1-243293466-A-G. GRCh37 (hg19) VCF-style: chr1-243456768-A-G.
Other names: c.743A>G, p.Gln248Arg (NM_001350248.2); c.-631A>G (NM_001350251.2); c.381+247A>G (NM_001350249.2); c.-438+247A>G (NM_001350246.2); c.-326+247A>G (NM_001350247.2); short protein forms Q248R.
Identifiers: ClinVar variation 4993361 (VCV004993361.1).